The following is an entry in ClinVar:

ClinVar aggregate classification (germline): Uncertain significance (1 of 4 stars; one submission).

Conditions:
Candidiasis, familial, 9 (CANDF9). Identifiers: Orphanet 1334, MedGen C4225324, MONDO:0014642, OMIM 616445.

Submission:

Labcorp Genetics (formerly Invitae), Labcorp
Classification: Uncertain significance for Candidiasis, familial, 9. Last evaluated: 2022-06-27. Review status: criteria provided, single submitter. Criteria: Invitae Variant Classification Sherloc (09022015). Collection method: clinical testing. Allele origin: germline.
Comment: This sequence change falls in intron 18 of the IL17RC gene. It does not directly change the encoded amino acid sequence of the IL17RC protein. It affects a nucleotide within the consensus splice site. This variant is not present in population databases (gnomAD no frequency). This variant has not been reported in the literature in individuals affected with IL17RC-related conditions. ClinVar contains an entry for this variant (Variation ID: 946317). Variants that disrupt the consensus splice site are a relatively common cause of aberrant splicing (PMID: 17576681, 9536098). Algorithms developed to predict the effect of sequence changes on RNA splicing suggest that this variant may disrupt the consensus splice site. In summary, the available evidence is currently insufficient to determine the role of this variant in disease. Therefore, it has been classified as a Variant of Uncertain Significance.

Literature cited by the submitters: PubMed 17576681; PubMed 9536098.

NM_153460.4(IL17RC):c.1522+3G>T

Genes: IL17RC (interleukin 17 receptor C; plus strand), LOC129936143 (ATAC-STARR-seq lymphoblastoid silent region 14050; plus strand). Cytogenetic location: 3p25.3.
Variant type: single nucleotide variant.
Coding change: c.1522+3G>T on transcript NM_153460.4 (MANE Select); 3 bases into the intron after coding-DNA position 1522, G replaced by T.
Molecular consequence: intron variant.
Genome position (GRCh38, 1-based): chr3:9,932,861, G>T. VCF-style: chr3-9932861-G-T. GRCh37 (hg19) VCF-style: chr3-9974545-G-T.
Other names: c.1735+3G>T (NM_153461.4); c.1484-92G>T (NM_001203263.2); c.1433-92G>T (NM_001203264.2); c.1445-92G>T (NM_001367278.1); c.1477+3G>T (NM_032732.6); c.1439-92G>T (NM_001367280.1); c.1426+3G>T (NM_001203265.2); c.1364-92G>T (NM_001367279.1).
Identifiers: ClinVar variation 946317 (VCV000946317.7), dbSNP rs2084898305, ClinGen allele CA1139657859.